The following is an entry in ClinVar:

ClinVar aggregate classification (germline): Uncertain significance. Review status: criteria provided, multiple submitters, no conflicts (2 of 4 stars). 2 submissions from 2 submitters: Uncertain significance (2). Last evaluated 2026-06-03.

Conditions:
Inborn genetic diseases. Identifiers: MedGen C0950123, MeSH D030342.

Allele frequency attached by ClinVar (database versions not stated): TOPMed 0.00006; gnomAD 0.00005; gnomAD exomes 0.00006.
gnomAD v4.1: 90 of 1,486,142 alleles (0.0061%); highest among the groups gnomAD compares: Non-Finnish European, 0.0067%; no homozygotes.

Submissions (2):

Ambry Genetics
Classification: Uncertain significance for Inborn genetic diseases. Last evaluated: 2026-06-03. Review status: criteria provided, single submitter. Criteria: Ambry Variant Classification Scheme 2023. Collection method: clinical testing. Allele origin: germline.

Labcorp Genetics (formerly Invitae), Labcorp
Classification: Uncertain significance. Last evaluated: 2025-05-07. Review status: criteria provided, single submitter. Criteria: Invitae Variant Classification Sherloc (09022015). Collection method: clinical testing. Allele origin: germline.
Comment: This sequence change replaces glycine, which is neutral and non-polar, with arginine, which is basic and polar, at codon 82 of the PAX1 protein (p.Gly82Arg). This variant is present in population databases (no rsID available, gnomAD 0.01%). This variant has not been reported in the literature in individuals affected with PAX1-related conditions. ClinVar contains an entry for this variant (Variation ID: 1380558). Invitae Evidence Modeling of protein sequence and biophysical properties (such as structural, functional, and spatial information, amino acid conservation, physicochemical variation, residue mobility, and thermodynamic stability) indicates that this missense variant is not expected to disrupt PAX1 protein function with a negative predictive value of 80%. In summary, the available evidence is currently insufficient to determine the role of this variant in disease. Therefore, it has been classified as a Variant of Uncertain Significance.

NM_001257096.2(PAX1):c.244G>C (p.Gly82Arg)

Gene: PAX1 (paired box 1; plus strand). Cytogenetic location: 20p11.22.
Variant type: single nucleotide variant.
Coding change: c.244G>C on transcript NM_001257096.2 (MANE Select); coding-DNA position 244, G replaced by C.
Protein change: p.Gly82Arg; replaces glycine 82 with arginine.
Molecular consequence: missense variant.
Genome position (GRCh38, 1-based): chr20:21,705,956, G>C. VCF-style: chr20-21705956-G-C. GRCh37 (hg19) VCF-style: chr20-21686594-G-C.
Other names: c.244G>C (NM_006192.3); c.244G>C, p.Gly82Arg (NM_006192.5); short protein forms G82R.
Identifiers: ClinVar variation 1380558 (VCV001380558.8), dbSNP rs891558932, ClinGen allele CA313027390.